The following is an entry in ClinVar:

NM_002439.5(MSH3):c.1100A>G (p.Tyr367Cys)

Gene: MSH3 (mutS homolog 3; plus strand). Cytogenetic location: 5q14.1.
Variant type: single nucleotide variant.
Coding change: c.1100A>G on transcript NM_002439.5 (MANE Select); coding-DNA position 1100, A replaced by G.
Protein change: p.Tyr367Cys; replaces tyrosine 367 with cysteine.
Molecular consequence: missense variant.
Genome position (GRCh38, 1-based): chr5:80,675,055, A>G. VCF-style: chr5-80675055-A-G. GRCh37 (hg19) VCF-style: chr5-79970874-A-G.
Other names: c.1100A>G (NM_002439.3); short protein forms Y367C.
Identifiers: ClinVar variation 2187720 (VCV002187720.7), dbSNP rs1749808717, ClinGen allele CA360268092.

ClinVar aggregate classification (germline): Uncertain significance. Review status: criteria provided, multiple submitters, no conflicts (2 of 4 stars). 2 submissions from 2 submitters: Uncertain significance (2). Last evaluated 2025-08-22.

Conditions:
Hereditary cancer-predisposing syndrome. Also called: Hereditary Cancer Syndrome; Tumor predisposition; Hereditary neoplastic syndrome; Neoplastic Syndromes, Hereditary. Identifiers: Orphanet 140162, MedGen C0027672, MeSH D009386, MONDO:0015356.

Submissions (2):

Ambry Genetics
Classification: Uncertain significance for Hereditary cancer-predisposing syndrome. Last evaluated: 2025-08-22. Review status: criteria provided, single submitter. Criteria: Ambry Variant Classification Scheme 2023. Collection method: clinical testing. Allele origin: germline.
Comment: The p.Y367C variant (also known as c.1100A>G), located in coding exon 7 of the MSH3 gene, results from an A to G substitution at nucleotide position 1100. The tyrosine at codon 367 is replaced by cysteine, an amino acid with highly dissimilar properties. This amino acid position is conserved. In addition, this alteration is predicted to be deleterious by in silico analysis. Since supporting evidence is limited at this time, the clinical significance of this alteration remains unclear.

Labcorp Genetics (formerly Invitae), Labcorp
Classification: Uncertain significance. Last evaluated: 2023-11-21. Review status: criteria provided, single submitter. Criteria: Invitae Variant Classification Sherloc (09022015). Collection method: clinical testing. Allele origin: germline.
Comment: This sequence change replaces tyrosine, which is neutral and polar, with cysteine, which is neutral and slightly polar, at codon 367 of the MSH3 protein (p.Tyr367Cys). This variant is not present in population databases (gnomAD no frequency). This variant has not been reported in the literature in individuals affected with MSH3-related conditions. ClinVar contains an entry for this variant (Variation ID: 2187720). An algorithm developed to predict the effect of missense changes on protein structure and function (PolyPhen-2) suggests that this variant is likely to be disruptive. In summary, the available evidence is currently insufficient to determine the role of this variant in disease. Therefore, it has been classified as a Variant of Uncertain Significance.